The following is an entry in ClinVar:

NM_007294.4(BRCA1):c.1598del (p.Asn533fs)

Gene: BRCA1 (BRCA1 DNA repair associated; minus strand). Cytogenetic location: 17q21.31.
Variant type: Deletion.
Coding change: c.1598del on transcript NM_007294.4 (MANE Select); coding-DNA position 1598, one base deleted (A; older notation c.1598delA).
Protein change: p.Asn533fs; shifts the reading frame from asparagine 533.
Molecular consequence: frameshift variant. On other transcripts: intron variant (137).
Genome position (GRCh38, 1-based): chr17:43,093,933, T deleted on the plus strand (A on the coding strand, the reverse complement: BRCA1 is on the minus strand); the first of 3 consecutive T bases (chr17:43,093,933-43,093,935); deleting any one gives the same sequence. VCF-style (leftmost placement, unchanged base first): chr17-43093932-AT-A. GRCh37 (hg19) VCF-style: chr17-41245949-AT-A.
Other names: c.1454del, p.Asn485fs (NM_001407742.1, NM_001407747.1, NM_001407748.1 and 20 more transcripts); c.1598delA (NM_007294.3); c.1385del, p.Asn462fs (NM_001407571.1, NM_001407853.1, NM_001407894.1 and 9 more transcripts); c.1598del, p.Asn533fs (NM_001407581.1, NM_001407582.1, NM_001407583.1 and 30 more transcripts); c.1595del, p.Asn532fs (NM_001407587.1, NM_001407590.1, NM_001407591.1 and 22 more transcripts); c.1589del, p.Asn530fs (NM_001407646.1, NM_001407647.1); c.1475del, p.Asn492fs (NM_001407648.1, NM_001407664.1, NM_001407665.1 and 19 more transcripts); c.1472del, p.Asn491fs (NM_001407649.1, NM_001407670.1, NM_001407671.1 and 11 more transcripts); and 41 more; short protein forms N486fs, N533fs, N365fs, N465fs, N506fs, N532fs, N237fs, N445fs.
Identifiers: ClinVar variation 1776041 (VCV001776041.2), dbSNP rs2154434603, ClinGen allele CA2580093796.

ClinVar aggregate classification (germline): Pathogenic (1 of 4 stars; one submission).

Conditions:
Hereditary cancer-predisposing syndrome. Also called: Neoplastic Syndromes, Hereditary; Tumor predisposition; Hereditary Cancer Syndrome; Hereditary neoplastic syndrome. Identifiers: Orphanet 140162, MedGen C0027672, MeSH D009386, MONDO:0015356.

Submission:

Ambry Genetics
Classification: Pathogenic for Hereditary cancer-predisposing syndrome. Last evaluated: 2020-12-23. Review status: criteria provided, single submitter. Criteria: Ambry Variant Classification Scheme 2023. Collection method: clinical testing. Allele origin: germline.
Comment: The c.1598delA pathogenic mutation, located in coding exon 9 of the BRCA1 gene, results from a deletion of one nucleotide at nucleotide position 1598, causing a translational frameshift with a predicted alternate stop codon (p.N533Ifs*13). This alteration is expected to result in loss of function by premature protein truncation or nonsense-mediated mRNA decay. As such, this alteration is interpreted as a disease-causing mutation.